The following is an entry in ClinVar:

NM_001267550.2(TTN):c.88367C>G (p.Thr29456Arg)

Genes: TTN (titin; minus strand), TTN-AS1 (TTN antisense RNA 1; plus strand). Cytogenetic location: 2q31.2.
Variant type: single nucleotide variant.
Coding change: c.88367C>G on transcript NM_001267550.2 (MANE Select); coding-DNA position 88367, C replaced by G.
Protein change: p.Thr29456Arg; replaces threonine 29456 with arginine.
Molecular consequence: missense variant.
Genome position (GRCh38, 1-based): chr2:178,555,092, G>C on the plus strand (C>G on the coding strand, the complement: TTN is on the minus strand). VCF-style: chr2-178555092-G-C. GRCh37 (hg19) VCF-style: chr2-179419819-G-C.
Other names: c.83444C>G, p.Thr27815Arg (NM_001256850.1); c.61172C>G, p.Thr20391Arg (NM_003319.4); c.80663C>G, p.Thr26888Arg (NM_133378.4); c.61547C>G, p.Thr20516Arg (NM_133432.3); c.61748C>G, p.Thr20583Arg (NM_133437.4); short protein forms T20391R, T20516R, T20583R, T26888R, T27815R, T29456R.
Identifiers: ClinVar variation 1310511 (VCV001310511.2), dbSNP rs1468721085, ClinGen allele CA349528024.

ClinVar aggregate classification (germline): Uncertain significance (1 of 4 stars; one submission).

gnomAD v4.1: 2 of 1,613,746 alleles (0.00012%); highest among the groups gnomAD compares: Non-Finnish European, 0.00017%; no homozygotes.

Submission:

GeneDx
Classification: Uncertain significance. Last evaluated: 2019-11-22. Review status: criteria provided, single submitter. Criteria: GeneDx Variant Classification Process June 2021. Collection method: clinical testing. Allele origin: germline. Affected: yes.
Comment: Not observed in large population cohorts (Lek et al., 2016); Missense variant in a gene in which most reported pathogenic variants are truncating/loss-of-function; Located in the A-band of the titin protein, where the majority of pathogenic truncating variants have been reported.; Has not been previously published as pathogenic or benign to our knowledge